The following is an entry in ClinVar:

NM_020549.5(CHAT):c.1634+11G>C

Gene: CHAT (choline O-acetyltransferase; plus strand). Cytogenetic location: 10q11.23.
Variant type: single nucleotide variant.
Coding change: c.1634+11G>C on transcript NM_020549.5 (MANE Select); 11 bases into the intron after coding-DNA position 1634, G replaced by C.
Molecular consequence: intron variant.
Genome position (GRCh38, 1-based): chr10:49,652,017, G>C. VCF-style: chr10-49652017-G-C. GRCh37 (hg19) VCF-style: chr10-50860063-G-C.
Other names: c.1280+11G>C (NM_020984.4, NM_020985.4, NM_020986.4 and 2 more transcripts); c.1388+11G>C (NM_001142933.2); c.1634+11G>C (NM_020549.4).
Identifiers: ClinVar variation 2733067 (VCV002733067.4), dbSNP rs764193541, ClinGen allele CA5497559.
Genomic context (GRCh38, chr10:49,652,017, plus strand): 5'-TGCAGCCCTGATGCCTTCATCCAGGTGGCCCTCCAGCTGGCCTTCTACAGGTGAGTGAAG[G>C]TGGAGTGAGTCTGTACCCTGGAGGGCTGACGGACACAGTGCTGTAGGATCTAGGGTCTAG-3'

ClinVar aggregate classification (germline): Likely benign. Review status: criteria provided, single submitter (1 of 4 stars). 2 submissions from 2 submitters: Likely benign (1). 1 of the submissions does not count toward it. Last evaluated 2024-03-27.

Conditions:
Familial infantile myasthenia (CMS6). Also called: Congenital myasthenic syndrome type 6; MYASTHENIC SYNDROME, PRESYNAPTIC, CONGENITAL, ASSOCIATED WITH EPISODIC APNEA; MYASTHENIC SYNDROME, CONGENITAL, 6, PRESYNAPTIC. Identifiers: Orphanet 590, MedGen C0393929, MONDO:0009689, OMIM 254210.
CHAT-related disorder. Also called: CHAT-related condition.

Allele frequency attached by ClinVar (database versions not stated): ExAC 0.00001; gnomAD exomes 0.00001; TOPMed 0.00004; gnomAD 0.00005.
gnomAD v4.1: 15 of 1,614,046 alleles (0.00093%); highest among the groups gnomAD compares: Middle Eastern, 0.016%; no homozygotes.

Submissions (2):

Labcorp Genetics (formerly Invitae), Labcorp
Classification: Likely benign for Familial infantile myasthenia. Last evaluated: 2024-03-27. Review status: criteria provided, single submitter. Criteria: Invitae Variant Classification Sherloc (09022015). Collection method: clinical testing. Allele origin: germline.

PreventionGenetics, part of Exact Sciences
Classification: Likely benign for CHAT-related condition. Last evaluated: 2020-01-24. Review status: no assertion criteria provided. Collection method: clinical testing. Allele origin: germline. Not counted in ClinVar's aggregate classification.
Comment: This variant is classified as likely benign based on ACMG/AMP sequence variant interpretation guidelines (Richards et al. 2015 PMID: 25741868, with internal and published modifications).